The following is an entry in ClinVar:

ClinVar aggregate classification (germline): Conflicting classifications of pathogenicity. Review status: criteria provided, conflicting classifications (1 of 4 stars). 5 submissions from 5 submitters: Uncertain significance (2); Benign (1); Likely benign (1). 1 of the submissions does not count toward it. Last evaluated 2026-01-22.

Conditions:
Autosomal recessive proximal renal tubular acidosis (PRTAO). Also called: RTA, PROXIMAL, AUTOSOMAL RECESSIVE; RENAL TUBULAR ACIDOSIS, PROXIMAL, WITH OCULAR ABNORMALITIES AND MENTAL RETARDATION; RENAL TUBULAR ACIDOSIS, PROXIMAL, WITH OCULAR ABNORMALITIES AND IMPAIRED INTELLECTUAL DEVELOPMENT; PROXIMAL RENAL TUBULAR ACIDOSIS-OCULAR ANOMALY SYNDROME. Identifiers: Orphanet 93607, MedGen C1970309, MONDO:0011422, OMIM 604278.
Inborn genetic diseases. Identifiers: MedGen C0950123, MeSH D030342.
SLC4A4-related disorder. Also called: SLC4A4-related condition.

Allele frequency attached by ClinVar (database versions not stated): 1000 Genomes Project 30x 0.00078; 1000 Genomes Project 0.00080; ExAC 0.00133; gnomAD exomes 0.00142 and 0.00149; gnomAD 0.00148 and 0.00151; ESP Exome Variant Server 0.00169; TOPMed 0.00173.
gnomAD v4.1: 2,365 of 1,613,652 alleles (0.15%); highest among the groups gnomAD compares: Middle Eastern, 0.5%; 3 homozygotes.

Submissions (5):

Labcorp Genetics (formerly Invitae), Labcorp
Classification: Benign. Last evaluated: 2026-01-22. Review status: criteria provided, single submitter. Criteria: Invitae Variant Classification Sherloc (09022015). Collection method: clinical testing. Allele origin: germline.

Department of Pathology and Laboratory Medicine, Sinai Health System
Classification: Uncertain significance for Autosomal recessive proximal renal tubular acidosis. Last evaluated: 2022-12-05. Review status: criteria provided, single submitter. Criteria: ACMG Guidelines, 2015. Collection method: research. Allele origin: germline.

Ambry Genetics
Classification: Likely benign for Inborn genetic diseases. Last evaluated: 2021-10-09. Review status: criteria provided, single submitter. Criteria: Ambry Variant Classification Scheme 2023. Collection method: clinical testing. Allele origin: germline.

Illumina Laboratory Services, Illumina
Classification: Uncertain significance for Autosomal recessive proximal renal tubular acidosis. Last evaluated: 2018-01-13. Review status: criteria provided, single submitter. Criteria: ICSL Variant Classification Criteria 13 December 2019. Collection method: clinical testing. Allele origin: germline.

PreventionGenetics, part of Exact Sciences
Classification: Likely benign for SLC4A4-related condition. Last evaluated: 2019-10-03. Review status: no assertion criteria provided. Collection method: clinical testing. Allele origin: germline. Not counted in ClinVar's aggregate classification.
Comment: This variant is classified as likely benign based on ACMG/AMP sequence variant interpretation guidelines (Richards et al. 2015 PMID: 25741868, with internal and published modifications).

NM_001098484.3(SLC4A4):c.2311C>T (p.Pro771Ser)

Gene: SLC4A4 (solute carrier family 4 member 4; plus strand). Cytogenetic location: 4q13.3.
Variant type: single nucleotide variant.
Coding change: c.2311C>T on transcript NM_001098484.3 (MANE Select); coding-DNA position 2311, C replaced by T.
Protein change: p.Pro771Ser; replaces proline 771 with serine.
Molecular consequence: missense variant.
Genome position (GRCh38, 1-based): chr4:71,534,257, C>T. VCF-style: chr4-71534257-C-T. GRCh37 (hg19) VCF-style: chr4-72399974-C-T.
Other names: c.2311C>T, p.Pro771Ser (NM_001134742.2); c.2179C>T, p.Pro727Ser (NM_003759.4); short protein forms P727S, P771S.
Identifiers: ClinVar variation 349550 (VCV000349550.16), dbSNP rs140882617, ClinGen allele CA2955084.
Genomic context (GRCh38, chr4:71,534,257, plus strand): 5'-TTCTGAAAAATGTCATCTGTCTTTTTCAAGCCAACAAGTCCAAACCGAGGTTGGTTCGTT[C>T]CACCGTTTGGAGAAAACCCCTGGTGGGTGTGCCTTGCTGCTGCTATCCCGGCTTTGTTGG-3'
Protein context (NP_001091954.1, residues 761-781): PTSPNRGWFV[Pro771Ser]PFGENPWWVC